The following is an entry in ClinVar:

NM_001040142.2(SCN2A):c.3389A>C (p.Glu1130Ala)

Gene: SCN2A (sodium voltage-gated channel alpha subunit 2; plus strand). Cytogenetic location: 2q24.3.
Variant type: single nucleotide variant.
Coding change: c.3389A>C on transcript NM_001040142.2 (MANE Select); coding-DNA position 3389, A replaced by C.
Protein change: p.Glu1130Ala; replaces glutamic acid 1130 with alanine.
Molecular consequence: missense variant.
Genome position (GRCh38, 1-based): chr2:165,354,661, A>C. VCF-style: chr2-165354661-A-C. GRCh37 (hg19) VCF-style: chr2-166211171-A-C.
Other names: c.3389A>C, p.Glu1130Ala (NM_001040143.2, NM_001371246.1, NM_001371247.1 and 1 more transcripts); short protein forms E1130A.
Identifiers: ClinVar variation 624155 (VCV000624155.54), dbSNP rs1160491617, ClinGen allele CA349022056.

ClinVar aggregate classification (germline): Uncertain significance. Review status: criteria provided, multiple submitters, no conflicts (2 of 4 stars). 4 submissions from 4 submitters: Uncertain significance (4). Last evaluated 2024-04-17.

Conditions:
Inborn genetic diseases. Identifiers: MedGen C0950123, MeSH D030342.
Developmental and epileptic encephalopathy, 11 (DEE11). Also called: Early infantile epileptic encephalopathy 11. Identifiers: Orphanet 1934, MedGen C3150987, MONDO:0013388, OMIM 613721.
Seizures, benign familial infantile, 3 (BFIS3). Also called: Familial neonatal seizures; CONVULSIONS, BENIGN FAMILIAL INFANTILE, 3. Identifiers: Orphanet 140927, Orphanet 306, MedGen C1843140, MONDO:0011904, OMIM 607745.

Allele frequency attached by ClinVar (database versions not stated): TOPMed below 0.00001; gnomAD 0.00001; gnomAD exomes 0.00001.
gnomAD v4.1: 10 of 1,613,534 alleles (0.00062%); highest among the groups gnomAD compares: Non-Finnish European, 0.00085%; no homozygotes.

Submissions (4):

Labcorp Genetics (formerly Invitae), Labcorp
Classification: Uncertain significance for Seizures, benign familial infantile, 3; Developmental and epileptic encephalopathy, 11. Last evaluated: 2024-04-17. Review status: criteria provided, single submitter. Criteria: Invitae Variant Classification Sherloc (09022015). Collection method: clinical testing. Allele origin: germline.
Comment: This sequence change replaces glutamic acid, which is acidic and polar, with alanine, which is neutral and non-polar, at codon 1130 of the SCN2A protein (p.Glu1130Ala). This variant is present in population databases (no rsID available, gnomAD 0.002%). This variant has not been reported in the literature in individuals affected with SCN2A-related conditions. ClinVar contains an entry for this variant (Variation ID: 624155). Advanced modeling of protein sequence and biophysical properties (such as structural, functional, and spatial information, amino acid conservation, physicochemical variation, residue mobility, and thermodynamic stability) performed at Invitae indicates that this missense variant is not expected to disrupt SCN2A protein function with a negative predictive value of 95%. In summary, the available evidence is currently insufficient to determine the role of this variant in disease. Therefore, it has been classified as a Variant of Uncertain Significance.

GeneDx
Classification: Uncertain significance. Last evaluated: 2019-11-20. Review status: criteria provided, single submitter. Criteria: GeneDx Variant Classification Process June 2021. Collection method: clinical testing. Allele origin: germline. Affected: yes.
Comment: Not observed at a significant frequency in large population cohorts (Lek et al., 2016); The majority of missense variants in this gene are considered pathogenic (Stenson et al., 2014); In silico analysis, which includes protein predictors and evolutionary conservation, supports a deleterious effect; This substitution is predicted to be in the cytoplasmic loop between the second and third homologous domains (Shi et al., 2012); Has not been previously published as pathogenic or benign to our knowledge

CeGaT Center for Human Genetics Tuebingen
Classification: Uncertain significance. Last evaluated: 2018-04-01. Review status: criteria provided, single submitter. Criteria: CeGaT Center For Human Genetics Tuebingen Variant Classification Criteria Version 2. Collection method: clinical testing. Allele origin: germline. Affected: yes. Observed: 1 variant allele.

Ambry Genetics
Classification: Uncertain significance for Inborn genetic diseases. Last evaluated: 2017-07-26. Review status: criteria provided, single submitter. Criteria: Ambry Variant Classification Scheme 2023. Collection method: clinical testing. Allele origin: germline.
Comment: The p.E1130A variant (also known as c.3389A>C), located in coding exon 16 of the SCN2A gene, results from an A to C substitution at nucleotide position 3389. The glutamic acid at codon 1130 is replaced by alanine, an amino acid with dissimilar properties. This amino acid position is well conserved in available vertebrate species. In addition, this alteration is predicted to be tolerated by in silico analysis. Since supporting evidence is limited at this time, the clinical significance of this alteration remains unclear.